The following is an entry in ClinVar:

NM_000046.5(ARSB):c.498del (p.Phe166fs)

Gene: ARSB (arylsulfatase B; minus strand). Cytogenetic location: 5q14.1.
Variant type: Deletion.
Coding change: c.498del on transcript NM_000046.5 (MANE Select); coding-DNA position 498, one base deleted (T; older notation c.498delT).
Protein change: p.Phe166fs; shifts the reading frame from phenylalanine 166.
Molecular consequence: frameshift variant.
Genome position (GRCh38, 1-based): chr5:78,969,007, A deleted on the plus strand (T on the coding strand, the reverse complement: ARSB is on the minus strand); the first of 3 consecutive A bases (chr5:78,969,007-78,969,009); deleting any one gives the same sequence. VCF-style (leftmost placement, unchanged base first): chr5-78969006-CA-C. GRCh37 (hg19) VCF-style: chr5-78264829-CA-C.
Other names: c.498del, p.Phe166fs (NM_198709.3); short protein forms F166fs.
Identifiers: ClinVar variation 559791 (VCV000559791.1), dbSNP rs1554088002, ClinGen allele CA658822932.

ClinVar aggregate classification (germline): Pathogenic (1 of 4 stars; one submission).

Conditions:
Mucopolysaccharidosis type 6 (MPS6). Also called: N-ACETYLGALACTOSAMINE-4-SULFATASE DEFICIENCY; MPS VI; MPS 6; Maroteaux Lamy syndrome; ARSB DEFICIENCY; ARYLSULFATASE B DEFICIENCY. Identifiers: Orphanet 583, MedGen C0026709, MONDO:0009661, OMIM 253200.

Submission:

Laboratory of Diagnosis and Therapy of Lysosomal Disorders, University of Padova
Classification: Pathogenic for Mucopolysaccharidosis type 6. Last evaluated: 2018-01-01. Review status: criteria provided, single submitter. Criteria: ACMG Guidelines, 2015. Collection method: curation. Allele origin: germline. Affected: yes.
Comment: Frameshift variant (PVS1); In vitro functional studies supportive of a damaging effect on the gene product (low to no ARSB activity in homozygotes; PS3); Absent from GnomAD (PM2)

Incorrectly reported by Uttarilli (2015) Indian J Med Res 142, 415 as c.496delT

Literature cited by the submitters: PubMed 26609033; PubMed 30118150.